The following is an entry in ClinVar:

ClinVar aggregate classification (germline): Conflicting classifications of pathogenicity. Review status: criteria provided, conflicting classifications (1 of 4 stars). 3 submissions from 3 submitters: Uncertain significance (2); Likely benign (1). Last evaluated 2025-06-01.

Conditions:
Hereditary cancer-predisposing syndrome. Also called: Hereditary Cancer Syndrome; Tumor predisposition; Hereditary neoplastic syndrome; Neoplastic Syndromes, Hereditary. Identifiers: Orphanet 140162, MedGen C0027672, MeSH D009386, MONDO:0015356.

Allele frequency attached by ClinVar (database versions not stated): gnomAD exomes below 0.00001 and 0.00001; ExAC 0.00001; gnomAD 0.00004 and 0.00005; TOPMed 0.00004; ESP Exome Variant Server 0.00008.
gnomAD v4.1: 9 of 1,614,020 alleles (0.00056%); highest among the groups gnomAD compares: African/African-American, 0.012%; no homozygotes.

Submissions (3):

Labcorp Genetics (formerly Invitae), Labcorp
Classification: Uncertain significance. Last evaluated: 2025-06-01. Review status: criteria provided, single submitter. Criteria: Invitae Variant Classification Sherloc (09022015). Collection method: clinical testing. Allele origin: germline.
Comment: This sequence change replaces glutamic acid, which is acidic and polar, with glycine, which is neutral and non-polar, at codon 1958 of the POLE protein (p.Glu1958Gly). This variant is present in population databases (rs375406865, gnomAD 0.007%). This variant has not been reported in the literature in individuals affected with POLE-related conditions. ClinVar contains an entry for this variant (Variation ID: 1046458). An algorithm developed to predict the effect of missense changes on protein structure and function (PolyPhen-2) suggests that this variant is likely to be tolerated. In summary, the available evidence is currently insufficient to determine the role of this variant in disease. Therefore, it has been classified as a Variant of Uncertain Significance.

Ambry Genetics
Classification: Likely benign for Hereditary cancer-predisposing syndrome. Last evaluated: 2025-01-16. Review status: criteria provided, single submitter. Criteria: Ambry Variant Classification Scheme 2023. Collection method: clinical testing. Allele origin: germline.

GeneDx
Classification: Uncertain significance. Last evaluated: 2024-01-18. Review status: criteria provided, single submitter. Criteria: GeneDx Variant Classification Process June 2021. Collection method: clinical testing. Allele origin: germline. Affected: yes.
Comment: Not observed at significant frequency in large population cohorts (gnomAD); In silico analysis supports that this missense variant does not alter protein structure/function; Has not been previously published as pathogenic or benign to our knowledge

NM_006231.4(POLE):c.5873A>G (p.Glu1958Gly)

Gene: POLE (DNA polymerase epsilon, catalytic subunit; minus strand). Cytogenetic location: 12q24.33.
Variant type: single nucleotide variant.
Coding change: c.5873A>G on transcript NM_006231.4 (MANE Select); coding-DNA position 5873, A replaced by G.
Protein change: p.Glu1958Gly; replaces glutamic acid 1958 with glycine.
Molecular consequence: missense variant.
Genome position (GRCh38, 1-based): chr12:132,634,317, T>C on the plus strand (A>G on the coding strand, the complement: POLE is on the minus strand). VCF-style: chr12-132634317-T-C. GRCh37 (hg19) VCF-style: chr12-133210903-T-C.
Other names: c.5873A>G (NM_006231.2); short protein forms E1958G.
Identifiers: ClinVar variation 1046458 (VCV001046458.8), dbSNP rs375406865, ClinGen allele CA6892349.
Genomic context (GRCh38, chr12:132,634,317, plus strand): 5'-TTTTCCAGTAAATCCTCCACGTTGGATTCCTCCGCCTCTTCCTCCTCCTCCCCATCTCTT[T>C]CCTCCTCATCGTCCTCATTTTCCTGCTCATCCTCTGCTCCCCCTGCTTTCTGGGAGTCTT-3'
Protein context (NP_006222.2, residues 1948-1968): DEQENEDDEE[Glu1958Gly]RDGEEEEEAE